The following is an entry in ClinVar:

ClinVar aggregate classification (germline): Pathogenic (0 of 4 stars; one submission).

Conditions:
Mucolipidosis type II. Also called: Mucolipidosis 2; ML 2; Inclusion cell disease; Leroy Disease; N-acetylglucosamine 1phosphotransferase deficiency; ML disorder type 2. Identifiers: Orphanet 576, MedGen C2673377, MONDO:0009650, OMIM 252500.

Submission:

GeneReviews
Classification: Pathogenic for Mucolipidosis II. Last evaluated: 2012-05-10. Review status: no assertion criteria provided. Collection method: curation. Allele origin: unknown.
ClinVar note: Converted during submission from pathologic to Pathogenic.

NM_024312.4(GNPTAB):c.[2783A>G;2864C>T]]

Variant type: Haplotype.
Identifiers: ClinVar variation 39093 (VCV000039093.3).